The following is an entry in ClinVar:

ClinVar aggregate classification (germline): Uncertain significance (1 of 4 stars; one submission).

Conditions:
Inborn genetic diseases. Identifiers: MedGen C0950123, MeSH D030342.

Submission:

Ambry Genetics
Classification: Uncertain significance for Inborn genetic diseases. Last evaluated: 2025-10-15. Review status: criteria provided, single submitter. Criteria: Ambry Variant Classification Scheme 2023. Collection method: clinical testing. Allele origin: germline.
Comment: The p.Q181P variant (also known as c.542A>C), located in coding exon 5 of the RECQL4 gene, results from an A to C substitution at nucleotide position 542. The glutamine at codon 181 is replaced by proline, an amino acid with similar properties. This amino acid position is conserved. In addition, this alteration is predicted to be tolerated by in silico analysis. Based on the available evidence, the clinical significance of this variant remains unclear.

NM_004260.4(RECQL4):c.542A>C (p.Gln181Pro)

Gene: RECQL4 (RecQ like helicase 4; minus strand). Cytogenetic location: 8q24.3.
Variant type: single nucleotide variant.
Coding change: c.542A>C on transcript NM_004260.4 (MANE Select); coding-DNA position 542, A replaced by C.
Protein change: p.Gln181Pro; replaces glutamine 181 with proline.
Molecular consequence: missense variant. On other transcripts: 5 prime UTR variant (15), non-coding transcript variant (3), intron variant (3).
Genome position (GRCh38, 1-based): chr8:144,516,577, T>G on the plus strand (A>C on the coding strand, the complement: RECQL4 is on the minus strand). VCF-style: chr8-144516577-T-G. GRCh37 (hg19) VCF-style: chr8-145741961-T-G.
Other names: c.542A>C, p.Gln181Pro (NM_001413017.1, NM_001413018.1, NM_001413019.1 and 4 more transcripts); c.-530A>C (NM_001413022.1, NM_001413023.1, NM_001413024.1 and 5 more transcripts); c.413A>C, p.Gln138Pro (NM_001413025.1); c.-592A>C (NM_001413027.1, NM_001413030.1, NM_001413031.1 and 2 more transcripts); c.-434A>C (NM_001413034.1); c.-799A>C (NM_001413043.1); c.355-164A>C (NM_001413029.1); c.-366-164A>C (NM_001413021.1); and 1 more; short protein forms Q181P, Q138P.
Identifiers: ClinVar variation 4628953 (VCV004628953.1).